The following is an entry in ClinVar:

ClinVar aggregate classification (germline): Uncertain significance (1 of 4 stars; one submission).

Submission:

CeGaT Center for Human Genetics Tuebingen
Classification: Uncertain significance. Last evaluated: 2025-10-01. Review status: criteria provided, single submitter. Criteria: CeGaT Center For Human Genetics Tuebingen Variant Classification Criteria Version 2. Collection method: clinical testing. Allele origin: germline. Affected: yes. Observed: 1 variant allele.
Comment: SFMBT1: PM2

NM_016329.4(SFMBT1):c.172_182del (p.Val58fs)

Gene: SFMBT1 (Scm like with four mbt domains 1; minus strand). Cytogenetic location: 3p21.1.
Variant type: Deletion.
Coding change: c.172_182del on transcript NM_016329.4 (MANE Select); coding-DNA positions 172 to 182, 11 bases deleted (GTGGCTGTGAG).
Protein change: p.Val58fs; shifts the reading frame from valine 58.
Molecular consequence: frameshift variant.
Genome position (GRCh38, 1-based): chr3:52,943,535-52,943,545, CTCACAGCCAC deleted on the plus strand (GTGGCTGTGAG on the coding strand, the reverse complement: SFMBT1 is on the minus strand); deleting any 11 consecutive bases within chr3:52,943,535-52,943,548 gives the same sequence; the c. name uses the placement nearest the transcript's 3' end. VCF-style (leftmost placement, unchanged base first): chr3-52943534-TCTCACAGCCAC-T. GRCh37 (hg19) VCF-style: chr3-52977550-TCTCACAGCCAC-T.
Other names: short protein forms V58fs.
Identifiers: ClinVar variation 4534783 (VCV004534783.6).